The following is an entry in ClinVar:

ClinVar aggregate classification (germline): Uncertain significance (1 of 4 stars; one submission).

gnomAD v4.1: 1 of 1,596,698 alleles (0.000063%); highest among the groups gnomAD compares: Non-Finnish European, 0.000085%; no homozygotes.

Submission:

Labcorp Genetics (formerly Invitae), Labcorp
Classification: Uncertain significance. Last evaluated: 2021-09-24. Review status: criteria provided, single submitter. Criteria: Invitae Variant Classification Sherloc (09022015). Collection method: clinical testing. Allele origin: germline.
Comment: This sequence change replaces glycine with cysteine at codon 2617 of the CDH23 protein (p.Gly2617Cys). The glycine residue is highly conserved and there is a large physicochemical difference between glycine and cysteine. This variant is not present in population databases (ExAC no frequency). This variant has not been reported in the literature in individuals with CDH23-related conditions. Algorithms developed to predict the effect of missense changes on protein structure and function are either unavailable or do not agree on the potential impact of this missense change (SIFT: "Deleterious"; PolyPhen-2: "Not Available"; Align-GVGD: "Class C0"). In summary, the available evidence is currently insufficient to determine the role of this variant in disease. Therefore, it has been classified as a Variant of Uncertain Significance.

NM_022124.6(CDH23):c.7849G>T (p.Gly2617Cys)

Gene: CDH23 (cadherin related 23; plus strand). Cytogenetic location: 10q22.1.
Variant type: single nucleotide variant.
Coding change: c.7849G>T on transcript NM_022124.6 (MANE Select); coding-DNA position 7849, G replaced by T.
Protein change: p.Gly2617Cys; replaces glycine 2617 with cysteine.
Molecular consequence: missense variant.
Genome position (GRCh38, 1-based): chr10:71,803,397, G>T. VCF-style: chr10-71803397-G-T. GRCh37 (hg19) VCF-style: chr10-73563154-G-T.
Other names: c.1129G>T, p.Gly377Cys (NM_001171933.1, NM_001171934.1); short protein forms G377C, G2617C.
Identifiers: ClinVar variation 1429518 (VCV001429518.5), dbSNP rs369379727, ClinGen allele CA377161655.